The following is an entry in ClinVar:

NM_000256.3(MYBPC3):c.3145A>T (p.Ile1049Phe)

Gene: MYBPC3 (myosin binding protein C3; minus strand). Cytogenetic location: 11p11.2.
Variant type: single nucleotide variant.
Coding change: c.3145A>T on transcript NM_000256.3 (MANE Select); coding-DNA position 3145, A replaced by T.
Protein change: p.Ile1049Phe; replaces isoleucine 1049 with phenylalanine.
Molecular consequence: missense variant.
Genome position (GRCh38, 1-based): chr11:47,333,602, T>A on the plus strand (A>T on the coding strand, the complement: MYBPC3 is on the minus strand). VCF-style: chr11-47333602-T-A. GRCh37 (hg19) VCF-style: chr11-47355153-T-A.
Other names: short protein forms I1049F.
Identifiers: ClinVar variation 2785821 (VCV002785821.3), dbSNP rs1427129763, ClinGen allele CA380314864.

ClinVar aggregate classification (germline): Uncertain significance (1 of 4 stars; one submission).

Conditions:
Hypertrophic cardiomyopathy. Also called: HYPERTROPHIC MYOCARDIOPATHY. Identifiers: Orphanet 217569, MedGen C0007194, MeSH D002312, MONDO:0005045, HP:0001639.

Submission:

Labcorp Genetics (formerly Invitae), Labcorp
Classification: Uncertain significance for Hypertrophic cardiomyopathy. Last evaluated: 2023-02-18. Review status: criteria provided, single submitter. Criteria: Invitae Variant Classification Sherloc (09022015). Collection method: clinical testing. Allele origin: germline.
Comment: In summary, the available evidence is currently insufficient to determine the role of this variant in disease. Therefore, it has been classified as a Variant of Uncertain Significance. An algorithm developed to predict the effect of missense changes on protein structure and function (PolyPhen-2) suggests that this variant is likely to be tolerated. This variant has not been reported in the literature in individuals affected with MYBPC3-related conditions. This variant is not present in population databases (gnomAD no frequency). This sequence change replaces isoleucine, which is neutral and non-polar, with phenylalanine, which is neutral and non-polar, at codon 1049 of the MYBPC3 protein (p.Ile1049Phe).